The following is an entry in ClinVar:

NM_006031.6(PCNT):c.9706C>T (p.Arg3236Ter)

Gene: PCNT (pericentrin; plus strand). Cytogenetic location: 21q22.3.
Variant type: single nucleotide variant.
Coding change: c.9706C>T on transcript NM_006031.6 (MANE Select); coding-DNA position 9706, C replaced by T.
Protein change: p.Arg3236Ter; replaces arginine 3236 with a stop codon.
Molecular consequence: nonsense.
Genome position (GRCh38, 1-based): chr21:46,443,815, C>T. VCF-style: chr21-46443815-C-T. GRCh37 (hg19) VCF-style: chr21-47863728-C-T.
Other names: c.9706C>T (NM_006031.5); c.9115C>T, p.Arg3039Ter (NM_001315529.2); short protein forms R3236*, R3039*.
Identifiers: ClinVar variation 444580 (VCV000444580.49), dbSNP rs757793925, ClinGen allele CA10081444.
Genomic context (GRCh38, chr21:46,443,815, plus strand): 5'-AAAATGCATTCATTTATTTTCCTAATCCCTTGGTTGTTAAATAATTCTGGGGAAGGGCCC[C>T]GAGCACGACAGCCGCAGTCTCCACCCAGAACCAGAGAGTCCCCCCCAACCCGGGATGTAC-3'

ClinVar aggregate classification (germline): Pathogenic/Likely pathogenic. Review status: criteria provided, multiple submitters, no conflicts (2 of 4 stars). 5 submissions from 5 submitters: Pathogenic (2); Likely pathogenic (3). Last evaluated 2025-10-29.

Conditions:
PCNT-related disorder. Also called: PCNT-related condition.
Microcephalic osteodysplastic primordial dwarfism type II (MOPD2). Also called: OSTEODYSPLASTIC PRIMORDIAL DWARFISM, TYPE II; Microcephalic osteodysplastic primordial dwarfism with tooth abnormalities; MOPD II. Identifiers: Orphanet 2637, MedGen C0432246, MONDO:0008872, OMIM 210720.

Allele frequency attached by ClinVar (database versions not stated): gnomAD 0.00004; TOPMed 0.00008.
gnomAD v4.1: 57 of 1,613,610 alleles (0.0035%); highest among the groups gnomAD compares: Admixed American, 0.017%; no homozygotes.

Submissions (5):

Labcorp Genetics (formerly Invitae), Labcorp
Classification: Pathogenic. Last evaluated: 2025-10-29. Review status: criteria provided, single submitter. Criteria: Invitae Variant Classification Sherloc (09022015). Collection method: clinical testing. Allele origin: germline.
Comment: This sequence change creates a premature translational stop signal (p.Arg3236*) in the PCNT gene. It is expected to result in an absent or disrupted protein product. Loss-of-function variants in PCNT are known to be pathogenic (PMID: 18174396, 22821869). This variant is present in population databases (rs757793925, gnomAD 0.01%). This variant has not been reported in the literature in individuals affected with PCNT-related conditions. ClinVar contains an entry for this variant (Variation ID: 444580). For these reasons, this variant has been classified as Pathogenic.

Fulgent Genetics
Classification: Likely pathogenic for Microcephalic osteodysplastic primordial dwarfism type II. Last evaluated: 2024-05-25. Review status: criteria provided, single submitter. Criteria: ACMG Guidelines, 2015. Collection method: clinical testing. Allele origin: germline.

PreventionGenetics, part of Exact Sciences
Classification: Likely pathogenic for PCNT-related condition. Last evaluated: 2023-06-16. Review status: criteria provided, single submitter. Criteria: ACMG Guidelines, 2015. Collection method: clinical testing. Allele origin: germline.
Comment: The PCNT c.9706C>T variant is predicted to result in premature protein termination (p.Arg3236*). To our knowledge, this variant has not been reported in the literature. This variant is reported in 0.013% of alleles in individuals of European (Non-Finnish) descent in gnomAD and has been classified as pathogenic/likely pathogenic by multiple submitters in ClinVar. Nonsense variants in PCNT are expected to be pathogenic. This variant is interpreted as likely pathogenic.

CeGaT Center for Human Genetics Tuebingen
Classification: Pathogenic. Last evaluated: 2022-06-01. Review status: criteria provided, single submitter. Criteria: CeGaT Center For Human Genetics Tuebingen Variant Classification Criteria Version 2. Collection method: clinical testing. Allele origin: germline. Affected: yes. Observed: 2 variant alleles.
Comment: PCNT: PVS1, PM2

Baylor Genetics
Classification: Likely pathogenic for Microcephalic osteodysplastic primordial dwarfism type II. Last evaluated: 2022-03-22. Review status: criteria provided, single submitter. Criteria: ACMG Guidelines, 2015. Collection method: clinical testing. Allele origin: unknown.

Literature cited by the submitters: PubMed 18174396 (cited by Labcorp Genetics (formerly Invitae), Labcorp); PubMed 22821869 (cited by Labcorp Genetics (formerly Invitae), Labcorp).